The following is an entry in ClinVar:

ClinVar aggregate classification (germline): Uncertain significance (1 of 4 stars; one submission).

Conditions:
Inborn genetic diseases. Identifiers: MedGen C0950123, MeSH D030342.

Submission:

Ambry Genetics
Classification: Uncertain significance for Inborn genetic diseases. Last evaluated: 2025-02-09. Review status: criteria provided, single submitter. Criteria: Ambry Variant Classification Scheme 2023. Collection method: clinical testing. Allele origin: germline.
Comment: The p.F1095L variant (also known as c.3283T>C), located in coding exon 33 of the FANCA gene, results from a T to C substitution at nucleotide position 3283. The phenylalanine at codon 1095 is replaced by leucine, an amino acid with highly similar properties. This amino acid position is conserved. In addition, this alteration is predicted to be tolerated by in silico analysis. Based on the available evidence, the clinical significance of this variant remains unclear.

NM_000135.4(FANCA):c.3283T>C (p.Phe1095Leu)

Gene: FANCA (FA complementation group A; minus strand). Cytogenetic location: 16q24.3.
Variant type: single nucleotide variant.
Coding change: c.3283T>C on transcript NM_000135.4 (MANE Select); coding-DNA position 3283, T replaced by C.
Protein change: p.Phe1095Leu; replaces phenylalanine 1095 with leucine.
Molecular consequence: missense variant.
Genome position (GRCh38, 1-based): chr16:89,748,724, A>G on the plus strand (T>C on the coding strand, the complement: FANCA is on the minus strand). VCF-style: chr16-89748724-A-G. GRCh37 (hg19) VCF-style: chr16-89815132-A-G.
Other names: c.3283T>C, p.Phe1095Leu (NM_001286167.3); short protein forms F1095L.
Identifiers: ClinVar variation 3848215 (VCV003848215.1).